The following is an entry in ClinVar:

NM_004628.5(XPC):c.1540_1541del (p.Cys514fs)

Gene: XPC (XPC complex subunit, DNA damage recognition and repair factor; minus strand). Cytogenetic location: 3p25.1.
Variant type: Microsatellite.
Coding change: c.1540_1541del on transcript NM_004628.5 (MANE Select); coding-DNA positions 1540 to 1541, 2 bases deleted (TG; older notation c.1540_1541delTG).
Protein change: p.Cys514fs; shifts the reading frame from cysteine 514.
Molecular consequence: frameshift variant. On other transcripts: non-coding transcript variant (2).
Genome position (GRCh38, 1-based): chr3:14,158,342-14,158,343, CA deleted on the plus strand (TG on the coding strand, the reverse complement: XPC is on the minus strand); deleting any 2 consecutive bases within chr3:14,158,342-14,158,345 gives the same sequence; the c. name uses the placement nearest the transcript's 3' end. VCF-style (leftmost placement, unchanged base first): chr3-14158341-GCA-G. GRCh37 (hg19) VCF-style: chr3-14199841-GCA-G.
Other names: c.961_962del, p.Cys321fs (NM_001354726.2); c.1540_1541del, p.Cys514fs (NM_001354727.2, NM_001354730.2); c.1522_1523del, p.Cys508fs (NM_001354729.2); short protein forms C508fs, C321fs, C514fs.
Identifiers: ClinVar variation 2765372 (VCV002765372.3), dbSNP rs2470258125, ClinGen allele CA2697550696.
Genomic context (GRCh38, chr3:14,158,341, plus strand): 5'-CACCTCTAGCCACTGGTCTATACCAGCTATGCTTCTTTTTTCTGCCTTCTCACCATCGCT[GCA>G]CATTTTCTTGCCTCTTTTACTGCTTGAAGAGCTTGAGGATGCCGCTGGCAAGCTTGGGTC-3'

ClinVar aggregate classification (germline): Pathogenic (1 of 4 stars; one submission).

Submission:

Labcorp Genetics (formerly Invitae), Labcorp
Classification: Pathogenic. Last evaluated: 2023-10-04. Review status: criteria provided, single submitter. Criteria: Invitae Variant Classification Sherloc (09022015). Collection method: clinical testing. Allele origin: germline.
Comment: This sequence change creates a premature translational stop signal (p.Cys514Glnfs*4) in the XPC gene. It is expected to result in an absent or disrupted protein product. Loss-of-function variants in XPC are known to be pathogenic (PMID: 23173980, 25256075). This variant is not present in population databases (gnomAD no frequency). This variant has not been reported in the literature in individuals affected with XPC-related conditions. For these reasons, this variant has been classified as Pathogenic.

Literature cited by the submitters: PubMed 23173980; PubMed 25256075.